The following is an entry in ClinVar:

NM_201525.4(ADGRG1):c.1805A>G (p.His602Arg)

Gene: ADGRG1 (adhesion G protein-coupled receptor G1; plus strand). Cytogenetic location: 16q21.
Variant type: single nucleotide variant.
Coding change: c.1805A>G on transcript NM_201525.4 (MANE Select); coding-DNA position 1805, A replaced by G.
Protein change: p.His602Arg; replaces histidine 602 with arginine.
Molecular consequence: missense variant.
Genome position (GRCh38, 1-based): chr16:57,661,837, A>G. VCF-style: chr16-57661837-A-G. GRCh37 (hg19) VCF-style: chr16-57695749-A-G.
Other names: c.1280A>G, p.His427Arg (NM_001370451.1, NM_001370453.1, NM_001370454.1 and 1 more transcripts); c.1823A>G, p.His608Arg (NM_005682.7, NM_001370428.1, NM_001370429.1 and 4 more transcripts); c.1805A>G, p.His602Arg (NM_201524.4, NM_001145774.3, NM_001370435.1 and 7 more transcripts); c.1820A>G, p.His607Arg (NM_001145773.3, NM_001370433.1, NM_001370434.1); c.1313A>G, p.His438Arg (NM_001290142.2); c.1298A>G, p.His433Arg (NM_001290143.2); c.1802A>G, p.His601Arg (NM_001370441.1); c.1649A>G, p.His550Arg (NM_001370442.1); and 1 more; short protein forms H438R, H608R, H433R, H601R, H602R, H607R, H427R, H550R.
Identifiers: ClinVar variation 1348040 (VCV001348040.8), dbSNP rs149868261, ClinGen allele CA8078864.

ClinVar aggregate classification (germline): Uncertain significance. Review status: criteria provided, multiple submitters, no conflicts (2 of 4 stars). 2 submissions from 2 submitters: Uncertain significance (2). Last evaluated 2024-10-19.

Conditions:
Inborn genetic diseases. Identifiers: MedGen C0950123, MeSH D030342.

Allele frequency attached by ClinVar (database versions not stated): gnomAD exomes below 0.00001 and 0.00002; TOPMed 0.00001; ExAC 0.00002; ESP Exome Variant Server 0.00008.

Submissions (2):

Ambry Genetics
Classification: Uncertain significance for Inborn genetic diseases. Last evaluated: 2024-10-19. Review status: criteria provided, single submitter. Criteria: Ambry Variant Classification Scheme 2023. Collection method: clinical testing. Allele origin: germline.

Labcorp Genetics (formerly Invitae), Labcorp
Classification: Uncertain significance. Last evaluated: 2024-07-01. Review status: criteria provided, single submitter. Criteria: Invitae Variant Classification Sherloc (09022015). Collection method: clinical testing. Allele origin: germline.
Comment: This sequence change replaces histidine, which is basic and polar, with arginine, which is basic and polar, at codon 608 of the ADGRG1 protein (p.His608Arg). This variant is present in population databases (rs149868261, gnomAD 0.03%). This variant has not been reported in the literature in individuals affected with ADGRG1-related conditions. ClinVar contains an entry for this variant (Variation ID: 1348040). Advanced modeling of protein sequence and biophysical properties (such as structural, functional, and spatial information, amino acid conservation, physicochemical variation, residue mobility, and thermodynamic stability) performed at Invitae indicates that this missense variant is not expected to disrupt ADGRG1 protein function with a negative predictive value of 95%. In summary, the available evidence is currently insufficient to determine the role of this variant in disease. Therefore, it has been classified as a Variant of Uncertain Significance.